The following is an entry in ClinVar:

ClinVar aggregate classification (germline): Uncertain significance (1 of 4 stars; one submission).

Conditions:
Mitochondrial trifunctional protein deficiency. Identifiers: Orphanet 746, MedGen C1969443, MONDO:0012172.

Submission:

Labcorp Genetics (formerly Invitae), Labcorp
Classification: Uncertain significance for Mitochondrial trifunctional protein deficiency. Last evaluated: 2025-01-06. Review status: criteria provided, single submitter. Criteria: Invitae Variant Classification Sherloc (09022015). Collection method: clinical testing. Allele origin: germline.
Comment: This sequence change replaces phenylalanine, which is neutral and non-polar, with leucine, which is neutral and non-polar, at codon 310 of the HADHB protein (p.Phe310Leu). This variant is not present in population databases (gnomAD no frequency). This variant has not been reported in the literature in individuals affected with HADHB-related conditions. ClinVar contains an entry for this variant (Variation ID: 2130075). Invitae Evidence Modeling of protein sequence and biophysical properties (such as structural, functional, and spatial information, amino acid conservation, physicochemical variation, residue mobility, and thermodynamic stability) indicates that this missense variant is expected to disrupt HADHB protein function with a positive predictive value of 80%. In summary, the available evidence is currently insufficient to determine the role of this variant in disease. Therefore, it has been classified as a Variant of Uncertain Significance.

NM_000183.3(HADHB):c.930C>A (p.Phe310Leu)

Gene: HADHB (hydroxyacyl-CoA dehydrogenase trifunctional multienzyme complex subunit beta; plus strand). Cytogenetic location: 2p23.3.
Variant type: single nucleotide variant.
Coding change: c.930C>A on transcript NM_000183.3 (MANE Select); coding-DNA position 930, C replaced by A.
Protein change: p.Phe310Leu; replaces phenylalanine 310 with leucine.
Molecular consequence: missense variant.
Genome position (GRCh38, 1-based): chr2:26,280,112, C>A. VCF-style: chr2-26280112-C-A. GRCh37 (hg19) VCF-style: chr2-26502980-C-A.
Other names: c.885C>A, p.Phe295Leu (NM_001281512.2); c.864C>A, p.Phe288Leu (NM_001281513.2); short protein forms F295L, F288L, F310L.
Identifiers: ClinVar variation 2130075 (VCV002130075.4), dbSNP rs867252047, ClinGen allele CA346093959.